The following is an entry in ClinVar:

NM_001367624.2(ZNF469):c.5002C>T (p.His1668Tyr)

Gene: ZNF469 (zinc finger protein 469; plus strand). Cytogenetic location: 16q24.2.
Variant type: single nucleotide variant.
Coding change: c.5002C>T on transcript NM_001367624.2 (MANE Select); coding-DNA position 5002, C replaced by T.
Protein change: p.His1668Tyr; replaces histidine 1668 with tyrosine.
Molecular consequence: missense variant.
Genome position (GRCh38, 1-based): chr16:88,432,472, C>T. VCF-style: chr16-88432472-C-T. GRCh37 (hg19) VCF-style: chr16-88498880-C-T.
Other names: NM_001127464.1:c.4918C>T; short protein forms H1668Y.
Identifiers: ClinVar variation 2564201 (VCV002564201.2), dbSNP rs1476946641, ClinGen allele CA397094820.

ClinVar aggregate classification (germline): Uncertain significance (1 of 4 stars; one submission).

Conditions:
Cardiovascular phenotype. Identifiers: MedGen CN230736.

Allele frequency attached by ClinVar (database versions not stated): gnomAD 0.00001; gnomAD exomes 0.00001.
gnomAD v4.1: 10 of 1,550,282 alleles (0.00065%); highest among the groups gnomAD compares: Middle Eastern, 0.017%; no homozygotes.

Submission:

Ambry Genetics
Classification: Uncertain significance for Cardiovascular phenotype. Last evaluated: 2023-03-21. Review status: criteria provided, single submitter. Criteria: Ambry Variant Classification Scheme 2023. Collection method: clinical testing. Allele origin: germline.
Comment: The p.H1640Y variant (also known as c.4918C>T), located in coding exon 2 of the ZNF469 gene, results from a C to T substitution at nucleotide position 4918. The histidine at codon 1640 is replaced by tyrosine, an amino acid with similar properties. This amino acid position is conserved. In addition, this alteration is predicted to be tolerated by in silico analysis. Since supporting evidence is limited at this time, the clinical significance of this alteration remains unclear.